The following is an entry in ClinVar:

ClinVar aggregate classification (germline): Uncertain significance (1 of 4 stars; one submission).

Conditions:
Immunodeficiency 132A. Also called: Herpes simplex encephalitis, susceptibility to, 3. Identifiers: Orphanet 1930, MedGen C3553868, MONDO:0013920, OMIM 614849.

gnomAD v4.1: 6 of 1,614,198 alleles (0.00037%); highest among the groups gnomAD compares: Non-Finnish European, 0.00051%; no homozygotes.

Submission:

Labcorp Genetics (formerly Invitae), Labcorp
Classification: Uncertain significance for Immunodeficiency 132A. Last evaluated: 2023-12-13. Review status: criteria provided, single submitter. Criteria: Invitae Variant Classification Sherloc (09022015). Collection method: clinical testing. Allele origin: germline.
Comment: This sequence change replaces proline, which is neutral and non-polar, with threonine, which is neutral and polar, at codon 147 of the TRAF3 protein (p.Pro147Thr). This variant is not present in population databases (gnomAD no frequency). This variant has not been reported in the literature in individuals affected with TRAF3-related conditions. An algorithm developed to predict the effect of missense changes on protein structure and function (PolyPhen-2) suggests that this variant is likely to be tolerated. In summary, the available evidence is currently insufficient to determine the role of this variant in disease. Therefore, it has been classified as a Variant of Uncertain Significance.

NM_145725.3(TRAF3):c.439C>A (p.Pro147Thr)

Gene: TRAF3 (TNF receptor associated factor 3; plus strand). Cytogenetic location: 14q32.32.
Variant type: single nucleotide variant.
Coding change: c.439C>A on transcript NM_145725.3 (MANE Select); coding-DNA position 439, C replaced by A.
Protein change: p.Pro147Thr; replaces proline 147 with threonine.
Molecular consequence: missense variant.
Genome position (GRCh38, 1-based): chr14:102,876,394, C>A. VCF-style: chr14-102876394-C-A. GRCh37 (hg19) VCF-style: chr14-103342731-C-A.
Other names: c.439C>A, p.Pro147Thr (NM_001199427.2, NM_001385142.1, NM_001385143.1 and 2 more transcripts); short protein forms P147T.
Identifiers: ClinVar variation 2984647 (VCV002984647.3), dbSNP rs761576740, ClinGen allele CA391070609.
Genomic context (GRCh38, chr14:102,876,394, plus strand): 5'-AACATTGAATGGTCTGTCTTACAGGTGCATTTAAAAAATGATTGCCATTTTGAAGAACTT[C>A]CATGTGTGCGTCCTGACTGCAAAGAAAAGGTCTTGAGGAAAGACCTGCGAGACCACGTGG-3'
Protein context (NP_663777.1, residues 137-157): LKNDCHFEEL[Pro147Thr]CVRPDCKEKV